The following is an entry in ClinVar:

ClinVar aggregate classification (germline): Uncertain significance. Review status: criteria provided, multiple submitters, no conflicts (2 of 4 stars). 2 submissions from 2 submitters: Uncertain significance (2). Last evaluated 2023-04-27.

Allele frequency attached by ClinVar (database versions not stated): gnomAD 0.00001; gnomAD exomes 0.00002; ExAC 0.00003; TOPMed 0.00003; ESP Exome Variant Server 0.00008.
gnomAD v4.1: 32 of 1,612,016 alleles (0.002%); highest among the groups gnomAD compares: African/African-American, 0.011%; no homozygotes.

Submissions (2):

Athena Diagnostics
Classification: Uncertain significance. Last evaluated: 2023-04-27. Review status: criteria provided, single submitter. Criteria: Athena Diagnostics Criteria. Collection method: clinical testing. Allele origin: unknown.
Comment: Available data are insufficient to determine the clinical significance of the variant at this time. The frequency of this variant in the general population is higher than would generally be expected for pathogenic variants in this gene. Computational tools disagree on the variant's effect on normal protein function.

Labcorp Genetics (formerly Invitae), Labcorp
Classification: Uncertain significance. Last evaluated: 2022-10-20. Review status: criteria provided, single submitter. Criteria: Invitae Variant Classification Sherloc (09022015). Collection method: clinical testing. Allele origin: germline.
Comment: This sequence change replaces arginine, which is basic and polar, with histidine, which is basic and polar, at codon 1811 of the SPTBN2 protein (p.Arg1811His). This variant is present in population databases (rs372128288, gnomAD 0.02%). This variant has not been reported in the literature in individuals affected with SPTBN2-related conditions. Advanced modeling of protein sequence and biophysical properties (such as structural, functional, and spatial information, amino acid conservation, physicochemical variation, residue mobility, and thermodynamic stability) performed at Invitae indicates that this missense variant is not expected to disrupt SPTBN2 protein function. In summary, the available evidence is currently insufficient to determine the role of this variant in disease. Therefore, it has been classified as a Variant of Uncertain Significance.

NM_006946.4(SPTBN2):c.5432G>A (p.Arg1811His)

Gene: SPTBN2 (spectrin beta, non-erythrocytic 2; minus strand). Cytogenetic location: 11q13.2.
Variant type: single nucleotide variant.
Coding change: c.5432G>A on transcript NM_006946.4 (MANE Select); coding-DNA position 5432, G replaced by A.
Protein change: p.Arg1811His; replaces arginine 1811 with histidine.
Molecular consequence: missense variant.
Genome position (GRCh38, 1-based): chr11:66,691,417, C>T on the plus strand (G>A on the coding strand, the complement: SPTBN2 is on the minus strand). VCF-style: chr11-66691417-C-T. GRCh37 (hg19) VCF-style: chr11-66458888-C-T.
Other names: c.5453G>A, p.Arg1818His (NM_001411025.1); c.5432G>A (NM_006946.2); short protein forms R1811H, R1818H.
Identifiers: ClinVar variation 1904800 (VCV001904800.6), dbSNP rs372128288, ClinGen allele CA6128273.